The following is an entry in ClinVar:

NM_000186.4(CFH):c.1968A>C (p.Glu656Asp)

Gene: CFH (complement factor H; plus strand). Cytogenetic location: 1q31.3.
Variant type: single nucleotide variant.
Coding change: c.1968A>C on transcript NM_000186.4 (MANE Select); coding-DNA position 1968, A replaced by C.
Protein change: p.Glu656Asp; replaces glutamic acid 656 with aspartic acid.
Molecular consequence: missense variant.
Genome position (GRCh38, 1-based): chr1:196,726,564, A>C. VCF-style: chr1-196726564-A-C. GRCh37 (hg19) VCF-style: chr1-196695694-A-C.
Other names: short protein forms E656D.
Identifiers: ClinVar variation 2956419 (VCV002956419.4), dbSNP rs915896170, ClinGen allele CA35860668.
Genomic context (GRCh38, chr1:196,726,564, plus strand): 5'-CCTCAATGGGAATGTTAAGGAAAAAACGAAAGAAGAATATGGACACAGTGAAGTGGTGGA[A>C]TATTATTGCAATCCTAGATTTCTAATGAAGGGACCTAATAAAATTCAATGTGTTGATGGA-3'
Protein context (NP_000177.2, residues 646-666): KEEYGHSEVV[Glu656Asp]YYCNPRFLMK

ClinVar aggregate classification (germline): Uncertain significance. Review status: criteria provided, multiple submitters, no conflicts (2 of 4 stars). 2 submissions from 2 submitters: Uncertain significance (2). Last evaluated 2026-01-17.

Conditions:
Inborn genetic diseases. Identifiers: MedGen C0950123, MeSH D030342.

Allele frequency attached by ClinVar (database versions not stated): TOPMed 0.00001.
gnomAD v4.1: 8 of 1,612,696 alleles (0.0005%); highest among the groups gnomAD compares: Non-Finnish European, 0.00068%; no homozygotes.

Submissions (2):

Labcorp Genetics (formerly Invitae), Labcorp
Classification: Uncertain significance. Last evaluated: 2026-01-17. Review status: criteria provided, single submitter. Criteria: Invitae Variant Classification Sherloc (09022015). Collection method: clinical testing. Allele origin: germline.
Comment: This sequence change replaces glutamic acid, which is acidic and polar, with aspartic acid, which is acidic and polar, at codon 656 of the CFH protein (p.Glu656Asp). This variant is not present in population databases (gnomAD no frequency). This variant has not been reported in the literature in individuals affected with CFH-related conditions. ClinVar contains an entry for this variant (Variation ID: 2956419). An algorithm developed to predict the effect of missense changes on protein structure and function outputs the following: PolyPhen-2: "Possibly Damaging". The aspartic acid amino acid residue is found in multiple mammalian species, which suggests that this missense change does not adversely affect protein function. In summary, the available evidence is currently insufficient to determine the role of this variant in disease. Therefore, it has been classified as a Variant of Uncertain Significance.

Ambry Genetics
Classification: Uncertain significance for Inborn genetic diseases. Last evaluated: 2025-02-08. Review status: criteria provided, single submitter. Criteria: Ambry Variant Classification Scheme 2023. Collection method: clinical testing. Allele origin: germline.